The following is an entry in ClinVar:

NM_001350451.2(RBFOX3):c.33C>A (p.Pro11=)

Gene: RBFOX3 (RNA binding fox-1 homolog 3; minus strand). Cytogenetic location: 17q25.3.
Variant type: single nucleotide variant.
Coding change: c.33C>A on transcript NM_001350451.2 (MANE Select); coding-DNA position 33, C replaced by A.
Protein change: p.Pro11=; no amino-acid change (proline 11 retained).
Molecular consequence: synonymous variant.
Genome position (GRCh38, 1-based): chr17:79,115,683, G>T on the plus strand (C>A on the coding strand, the complement: RBFOX3 is on the minus strand). VCF-style: chr17-79115683-G-T. GRCh37 (hg19) VCF-style: chr17-77111765-G-T.
Other names: c.33C>A, p.Pro11= (NM_001082575.3, NM_001350453.2, NM_001385804.1 and 43 more transcripts).
Identifiers: ClinVar variation 701100 (VCV000701100.12), dbSNP rs530721444, ClinGen allele CA8810356.
Genomic context (GRCh38, chr17:79,115,683, plus strand): 5'-CTGCGTGGGGTGCGGTGGGGGCGGGGCGTACTCGGCAGGGATGCCGTTCTGTGGCGGAGG[G>T]GGGTACTGGGCGGGGGGGTAGGGCTGGGCCATCGCTTCAGGCGGAGCCGTGGCGTCCTGA-3'
Protein context (NP_001337380.1, residues 1-21): MAQPYPPAQY[Pro11=]PPPQNGIPAE

ClinVar aggregate classification (germline): Likely benign. Review status: criteria provided, single submitter (1 of 4 stars). 2 submissions from 2 submitters: Likely benign (1). 1 of the submissions does not count toward it. Last evaluated 2025-09-12.

Conditions:
RBFOX3-related disorder. Also called: RBFOX3-related condition.
Idiopathic generalized epilepsy. Also called: EIG; Generalised epilepsy. Identifiers: MedGen C0270850, MONDO:0005579, OMIM 600669.

Allele frequency attached by ClinVar (database versions not stated): gnomAD 0.00006; 1000 Genomes Project 0.00040; ExAC 0.00072.
gnomAD v4.1: 110 of 984,926 alleles (0.011%); highest among the groups gnomAD compares: South Asian, 0.099%; no homozygotes.

Submissions (2):

Labcorp Genetics (formerly Invitae), Labcorp
Classification: Likely benign for Idiopathic generalized epilepsy. Last evaluated: 2025-09-12. Review status: criteria provided, single submitter. Criteria: Invitae Variant Classification Sherloc (09022015). Collection method: clinical testing. Allele origin: germline.

PreventionGenetics, part of Exact Sciences
Classification: Likely benign for RBFOX3-related condition. Last evaluated: 2019-06-07. Review status: no assertion criteria provided. Collection method: clinical testing. Allele origin: germline. Not counted in ClinVar's aggregate classification.
Comment: This variant is classified as likely benign based on ACMG/AMP sequence variant interpretation guidelines (Richards et al. 2015 PMID: 25741868, with internal and published modifications).